The following is an entry in ClinVar:

ClinVar aggregate classification (germline): Uncertain significance. Review status: criteria provided, multiple submitters, no conflicts (2 of 4 stars). 2 submissions from 2 submitters: Uncertain significance (2). Last evaluated 2025-11-28.

Conditions:
Telangiectasia, hereditary hemorrhagic, type 2 (HHT2). Also called: Telangiectasia, hereditary hemorrhagic, type II; ACVRL1-Related Hereditary Hemorrhagic Telangiectasia. Identifiers: Orphanet 774, MedGen C1838163, MONDO:0010880, OMIM 600376. Disease mechanism: loss of function.

gnomAD v4.1: 1 of 1,614,204 alleles (0.000062%); highest among the groups gnomAD compares: African/African-American, 0.0013%; no homozygotes.

Submissions (2):

Labcorp Genetics (formerly Invitae), Labcorp
Classification: Uncertain significance for Telangiectasia, hereditary hemorrhagic, type 2. Last evaluated: 2025-11-28. Review status: criteria provided, single submitter. Criteria: Invitae Variant Classification Sherloc (09022015). Collection method: clinical testing. Allele origin: germline.
Comment: This sequence change replaces serine, which is neutral and polar, with asparagine, which is neutral and polar, at codon 225 of the ACVRL1 protein (p.Ser225Asn). This variant is present in population databases (rs745375601, gnomAD 0.007%). This missense change has been observed in individual(s) with clinical features of pulmonary hypertension (internal data). Invitae Evidence Modeling of protein sequence and biophysical properties (such as structural, functional, and spatial information, amino acid conservation, physicochemical variation, residue mobility, and thermodynamic stability) indicates that this missense variant is not expected to disrupt ACVRL1 protein function with a negative predictive value of 80%. In summary, the available evidence is currently insufficient to determine the role of this variant in disease. Therefore, it has been classified as a Variant of Uncertain Significance.

GeneDx
Classification: Uncertain significance. Last evaluated: 2025-08-09. Review status: criteria provided, single submitter. Criteria: GeneDx Variant Classification Process June 2021. Collection method: clinical testing. Allele origin: germline. Affected: yes.
Comment: Not observed at significant frequency in large population cohorts (gnomAD); In silico analysis suggests that this missense variant does not alter protein structure/function; Has not been previously published as pathogenic or benign to our knowledge

NM_000020.3(ACVRL1):c.674G>A (p.Ser225Asn)

Gene: ACVRL1 (activin A receptor like type 1; plus strand). Cytogenetic location: 12q13.13.
Variant type: single nucleotide variant.
Coding change: c.674G>A on transcript NM_000020.3 (MANE Select); coding-DNA position 674, G replaced by A.
Protein change: p.Ser225Asn; replaces serine 225 with asparagine.
Molecular consequence: missense variant.
Genome position (GRCh38, 1-based): chr12:51,914,487, G>A. VCF-style: chr12-51914487-G-A. GRCh37 (hg19) VCF-style: chr12-52308271-G-A.
Other names: c.674G>A, p.Ser225Asn (NM_001077401.2, NM_001406487.1, NM_001406488.1 and 1 more transcripts); c.362G>A, p.Ser121Asn (NM_001406490.1, NM_001406491.1, NM_001406492.1 and 2 more transcripts); c.110G>A, p.Ser37Asn (NM_001406495.1); short protein forms S37N, S121N, S225N.
Identifiers: ClinVar variation 4738489 (VCV004738489.1).